The following is an entry in ClinVar:

NM_000350.3(ABCA4):c.3194G>A (p.Gly1065Asp)

Gene: ABCA4 (ATP binding cassette subfamily A member 4; minus strand). Cytogenetic location: 1p22.1.
Variant type: single nucleotide variant.
Coding change: c.3194G>A on transcript NM_000350.3 (MANE Select); coding-DNA position 3194, G replaced by A.
Protein change: p.Gly1065Asp; replaces glycine 1065 with aspartic acid.
Molecular consequence: missense variant.
Genome position (GRCh38, 1-based): chr1:94,042,895, C>T on the plus strand (G>A on the coding strand, the complement: ABCA4 is on the minus strand). VCF-style: chr1-94042895-C-T. GRCh37 (hg19) VCF-style: chr1-94508451-C-T.
Other names: c.2972G>A, p.Gly991Asp (NM_001425324.1); short protein forms G1065D, G991D.
Identifiers: ClinVar variation 265015 (VCV000265015.20), dbSNP rs886039300, ClinGen allele CA10588300.

ClinVar aggregate classification (germline): Conflicting classifications of pathogenicity. Review status: criteria provided, conflicting classifications (1 of 4 stars). 8 submissions from 8 submitters: Pathogenic (4); Likely pathogenic (2); Uncertain significance (2). Last evaluated 2026-02-19.

Conditions:
ABCA4-related disorder. Also called: ABCA4-related disorders; ABCA4-related condition. Identifiers: MedGen CN239167.
Retinal dystrophy. Also called: Inherited retinal dystrophy. Identifiers: Orphanet 71862, MedGen C0854723, MeSH D058499, MONDO:0019118, HP:0000556.
Retinitis pigmentosa (RP). Identifiers: Orphanet 791, MedGen C0035334, MeSH D012174, MONDO:0019200, OMIM 268000. Inheritance: Autosomal dominant, autosomal recessive and X linked inheritance.
Cone dystrophy. Identifiers: Orphanet 1871, MedGen C0730290, MONDO:0000455.

Allele frequency attached by ClinVar (database versions not stated): gnomAD exomes below 0.00001; gnomAD 0.00001.
gnomAD v4.1: 2 of 1,614,084 alleles (0.00012%); highest among the groups gnomAD compares: Non-Finnish European, 0.00017%; no homozygotes.

Submissions (8):

PreventionGenetics, part of Exact Sciences
Classification: Uncertain significance for ABCA4-related condition. Last evaluated: 2026-02-19. Review status: criteria provided, single submitter. Criteria: ACMG Guidelines, 2015. Collection method: clinical testing. Allele origin: germline.
Comment: The ABCA4 c.3194G>A variant is predicted to result in the amino acid substitution p.Gly1065Asp. This variant has been reported in individuals with cone dystrophy or ABCA4-related retinal disease (Supplementary Table 1, Fenner et al. 2024. PubMed ID: 38309476; Table S2, Weisschuh et al. 2020. PubMed ID: 32531858). An alternate missense change (p.Gly1065Val) has been reported in the compound heterozygous state an individual with Stargardt disease (Table S2, Zaneveld et al. 2015. PubMed ID: 25474345) and has been characterized as a variant of unknown severity (Table S2A, Cornelis. 2022. PubMed ID: 35120629). This variant has not been reported in a large population database (gnomAD), indicating this variant is rare. Although we suspect that this variant may be pathogenic, at this time, the clinical significance of this variant is uncertain due to the absence of conclusive functional and genetic evidence.

CeGaT Center for Human Genetics Tuebingen
Classification: Pathogenic. Last evaluated: 2026-01-01. Review status: criteria provided, single submitter. Criteria: CeGaT Center For Human Genetics Tuebingen Variant Classification Criteria Version 2. Collection method: clinical testing. Allele origin: germline. Affected: yes. Observed: 1 variant allele.
Comment: ABCA4: PM3:Very Strong, PM1, PM2, PM5

Women's Health and Genetics/Laboratory Corporation of America, LabCorp
Classification: Likely pathogenic for Retinitis pigmentosa. Last evaluated: 2025-01-06. Review status: criteria provided, single submitter. Criteria: LabCorp Variant Classification Summary - May 2015. Collection method: clinical testing. Allele origin: germline.
Comment: Variant summary: ABCA4 c.3194G>A (p.Gly1065Asp) results in a non-conservative amino acid change located in the ATP-binding cassette, ABC transporter-type domain profile (IPR003439) of the encoded protein sequence. Five of five in-silico tools predict a damaging effect of the variant on protein function. The variant was absent in 251412 control chromosomes. c.3194G>A has been reported in the presumed compound heterozygous state in the literature in individuals affected with clinical features of ABCA4-related retinal dystrophy (example, Burnight_2024, Fenner_2024, Weisschuh_2020, Labcorp (formerly Invitae)). These data indicate that the variant is likely to be associated with disease. To our knowledge, no experimental evidence demonstrating an impact on protein function has been reported. The following publications have been ascertained in the context of this evaluation (PMID: 37930186, 38309476, 32531858). ClinVar contains an entry for this variant (Variation ID: 265015). Based on the evidence outlined above, the variant was classified as likely pathogenic.

GeneDx
Classification: Likely pathogenic. Last evaluated: 2024-10-30. Review status: criteria provided, single submitter. Criteria: GeneDx Variant Classification Process June 2021. Collection method: clinical testing. Allele origin: germline. Affected: yes.
Comment: Not observed at significant frequency in large population cohorts (gnomAD); In silico analysis supports that this missense variant has a deleterious effect on protein structure/function; This variant is associated with the following publications: (PMID: 32531858)

Labcorp Genetics (formerly Invitae), Labcorp
Classification: Pathogenic. Last evaluated: 2023-04-24. Review status: criteria provided, single submitter. Criteria: Invitae Variant Classification Sherloc (09022015). Collection method: clinical testing. Allele origin: germline.
Comment: Advanced modeling of protein sequence and biophysical properties (such as structural, functional, and spatial information, amino acid conservation, physicochemical variation, residue mobility, and thermodynamic stability) performed at Invitae indicates that this missense variant is expected to disrupt ABCA4 protein function. This sequence change replaces glycine, which is neutral and non-polar, with aspartic acid, which is acidic and polar, at codon 1065 of the ABCA4 protein (p.Gly1065Asp). This variant is not present in population databases (gnomAD no frequency). This missense change has been observed in individual(s) with ABCA4-related conditions (PMID: 32531858; Invitae). In at least one individual the data is consistent with being in trans (on the opposite chromosome) from a pathogenic variant. ClinVar contains an entry for this variant (Variation ID: 265015). This variant disrupts the p.Gly1065 amino acid residue in ABCA4. Other variant(s) that disrupt this residue have been observed in individuals with ABCA4-related conditions (PMID: 25474345), which suggests that this may be a clinically significant amino acid residue. For these reasons, this variant has been classified as Pathogenic.

Molecular Genetics Laboratory, Institute for Ophthalmic Research
Classification: Pathogenic for Cone/cone-rod dystrophy. Last evaluated: 2020-01-09. Review status: criteria provided, single submitter. Criteria: ACMG Guidelines, 2015. Collection method: research. Allele origin: germline. Affected: yes.

Blueprint Genetics
Classification: Pathogenic for ABCA4-related disorders. Last evaluated: 2019-07-11. Review status: criteria provided, single submitter. Criteria: ACMG Guidelines, 2015. Collection method: clinical testing. Allele origin: germline. Affected: yes. Observed: 5 variant alleles.

Institute of Human Genetics, Univ. Regensburg, Univ. Regensburg
Classification: Uncertain significance for Retinal dystrophy. Last evaluated: 2017-01-01. Review status: criteria provided, single submitter. Criteria: ACMG Guidelines, 2015. Collection method: clinical testing. Allele origin: germline. Affected: yes.

Literature cited by the submitters: PubMed 32531858 (cited by 3 submitters); PubMed 38309476 (cited by Women's Health and Genetics/Laboratory Corporation of America, LabCorp); PubMed 37930186 (cited by Women's Health and Genetics/Laboratory Corporation of America, LabCorp); PubMed 25474345 (cited by Labcorp Genetics (formerly Invitae), Labcorp).